The following is an entry in ClinVar:

NM_025074.7(FRAS1):c.11717T>C (p.Ile3906Thr)

Gene: FRAS1 (Fraser extracellular matrix complex subunit 1; plus strand). Cytogenetic location: 4q21.21.
Variant type: single nucleotide variant.
Coding change: c.11717T>C on transcript NM_025074.7 (MANE Select); coding-DNA position 11717, T replaced by C.
Protein change: p.Ile3906Thr; replaces isoleucine 3906 with threonine.
Molecular consequence: missense variant.
Genome position (GRCh38, 1-based): chr4:78,540,802, T>C. VCF-style: chr4-78540802-T-C. GRCh37 (hg19) VCF-style: chr4-79461956-T-C.
Other names: short protein forms I3906T.
Identifiers: ClinVar variation 547870 (VCV000547870.20), dbSNP rs61748814, ClinGen allele CA2979286.

ClinVar aggregate classification (germline): Conflicting classifications of pathogenicity. Review status: criteria provided, conflicting classifications (1 of 4 stars). 5 submissions from 5 submitters: Uncertain significance (1); Benign (2). 2 of the submissions do not count toward it. Last evaluated 2026-02-03.

Conditions:
Fraser syndrome 1 (FRASRS1). Also called: CRYPTOPHTHALMOS WITH OTHER MALFORMATIONS. Identifiers: Orphanet 2052, MedGen C4551480, MONDO:0054737, OMIM 219000.

Allele frequency attached by ClinVar (database versions not stated): 1000 Genomes Project 30x 0.00687; 1000 Genomes Project 0.00779; ExAC 0.01323; gnomAD exomes 0.01351 and 0.01824; gnomAD 0.01382 and 0.01397; ESP Exome Variant Server 0.01386; TOPMed 0.01450.
gnomAD v4.1: 28,807 of 1,613,872 alleles (1.8%); highest among the groups gnomAD compares: Middle Eastern, 2.3%; 302 homozygotes.

Submissions (5):

Labcorp Genetics (formerly Invitae), Labcorp
Classification: Benign. Last evaluated: 2026-02-03. Review status: criteria provided, single submitter. Criteria: Invitae Variant Classification Sherloc (09022015). Collection method: clinical testing. Allele origin: germline.

Mayo Clinic Laboratories, Mayo Clinic
Classification: Uncertain significance for Fraser syndrome 1. Last evaluated: 2024-03-15. Review status: criteria provided, single submitter. Criteria: ACMG Guidelines, 2015. Collection method: clinical testing. Allele origin: maternal.
Comment: BA1, BS2, BP4

Illumina Laboratory Services, Illumina
Classification: Benign for Fraser syndrome 1. Last evaluated: 2018-01-13. Review status: criteria provided, single submitter. Criteria: ICSL Variant Classification Criteria 13 December 2019. Collection method: clinical testing. Allele origin: germline.
Comment: This variant was observed in the ICSL laboratory as part of a predisposition screen in an ostensibly healthy population. It had not been previously curated by ICSL or reported in the Human Gene Mutation Database (HGMD: prior to June 1st, 2018), and was therefore a candidate for classification through an automated scoring system. Utilizing variant allele frequency, disease prevalence and penetrance estimates, and inheritance mode, an automated score was calculated to assess if this variant is too frequent to cause the disease. Based on the score and internal cut-off values, a variant classified as benign is not then subjected to further curation. The score for this variant resulted in a classification of benign for this disease.

Genome Diagnostics Laboratory, University Medical Center Utrecht
Classification: Likely benign. Review status: no assertion criteria provided. Collection method: clinical testing. Allele origin: germline. Affected: yes. Study: VKGL Data-share Consensus. Not counted in ClinVar's aggregate classification.

Laboratory of Diagnostic Genome Analysis, Leiden University Medical Center (LUMC)
Classification: Likely benign. Review status: no assertion criteria provided. Collection method: clinical testing. Allele origin: germline. Affected: yes. Study: VKGL Data-share Consensus. Not counted in ClinVar's aggregate classification.